The following is an entry in ClinVar:

NM_005051.3(QARS1):c.1013A>G (p.Tyr338Cys)

Gene: QARS1 (glutaminyl-tRNA synthetase 1; minus strand). Cytogenetic location: 3p21.31.
Variant type: single nucleotide variant.
Coding change: c.1013A>G on transcript NM_005051.3 (MANE Select); coding-DNA position 1013, A replaced by G.
Protein change: p.Tyr338Cys; replaces tyrosine 338 with cysteine.
Molecular consequence: missense variant. On other transcripts: non-coding transcript variant (1).
Genome position (GRCh38, 1-based): chr3:49,100,422, T>C on the plus strand (A>G on the coding strand, the complement: QARS1 is on the minus strand). VCF-style: chr3-49100422-T-C. GRCh37 (hg19) VCF-style: chr3-49137855-T-C.
Other names: c.980A>G, p.Tyr327Cys (NM_001272073.2); c.1013A>G (NM_005051.1); short protein forms Y327C, Y338C.
Identifiers: ClinVar variation 1053362 (VCV001053362.3), dbSNP rs1174267054, ClinGen allele CA352711194.
Genomic context (GRCh38, chr3:49,100,422, plus strand): 5'-TCATGGCCCTGGCCTTACCTGCGGATGAGCTCCACAGCCCACGCATATAGCTGGTCAAAA[T>C]AGTCAGACGCATATGTGACTTTGTAAGGTGTGTAGCCTGGGGCAAAATGAAACAAAGTAT-3'
Protein context (NP_005042.1, residues 328-348): TPYKVTYASD[Tyr338Cys]FDQLYAWAVE

ClinVar aggregate classification (germline): Uncertain significance. Review status: criteria provided, multiple submitters, no conflicts (2 of 4 stars). 2 submissions from 2 submitters: Uncertain significance (2). Last evaluated 2023-08-08.

Conditions:
Inborn genetic diseases. Identifiers: MedGen C0950123, MeSH D030342.
Diffuse cerebral and cerebellar atrophy - intractable seizures - progressive microcephaly syndrome. Also called: Microcephaly, progressive, with seizures and cerebral and cerebellar atrophy. Identifiers: Orphanet 404437, MedGen C4014239, MONDO:0014335, OMIM 615760.

Allele frequency attached by ClinVar (database versions not stated): gnomAD exomes below 0.00001.
gnomAD v4.1: 2 of 1,614,206 alleles (0.00012%); highest among the groups gnomAD compares: Non-Finnish European, 0.00017%; no homozygotes.

Submissions (2):

Ambry Genetics
Classification: Uncertain significance for Inborn genetic diseases. Last evaluated: 2023-08-08. Review status: criteria provided, single submitter. Criteria: Ambry Variant Classification Scheme 2023. Collection method: clinical testing. Allele origin: germline.

Labcorp Genetics (formerly Invitae), Labcorp
Classification: Uncertain significance for Diffuse cerebral and cerebellar atrophy - intractable seizures - progressive microcephaly syndrome. Last evaluated: 2018-12-17. Review status: criteria provided, single submitter. Criteria: Invitae Variant Classification Sherloc (09022015). Collection method: clinical testing. Allele origin: germline.
Comment: This sequence change replaces tyrosine with cysteine at codon 338 of the QARS protein (p.Tyr338Cys). The tyrosine residue is moderately conserved and there is a large physicochemical difference between tyrosine and cysteine. This variant is not present in population databases (ExAC no frequency). This variant has not been reported in the literature in individuals with QARS-related conditions. Algorithms developed to predict the effect of missense changes on protein structure and function are either unavailable or do not agree on the potential impact of this missense change (SIFT: Tolerated; PolyPhen-2: Probably Damaging; Align-GVGD: Class C1). In summary, the available evidence is currently insufficient to determine the role of this variant in disease. Therefore, it has been classified as a Variant of Uncertain Significance. 5